The following is an entry in ClinVar:

ClinVar aggregate classification (germline): Uncertain significance. Review status: criteria provided, multiple submitters, no conflicts (2 of 4 stars). 2 submissions from 2 submitters: Uncertain significance (2). Last evaluated 2021-12-22.

Allele frequency attached by ClinVar (database versions not stated): TOPMed 0.00001; ExAC 0.00002; gnomAD exomes 0.00002.
gnomAD v4.1: 25 of 1,606,912 alleles (0.0016%); highest among the groups gnomAD compares: Admixed American, 0.01%; no homozygotes.

Submissions (2):

Blueprint Genetics
Classification: Uncertain significance. Last evaluated: 2021-12-22. Review status: criteria provided, single submitter. Criteria: ACMG Guidelines, 2015. Collection method: clinical testing. Allele origin: germline.

Labcorp Genetics (formerly Invitae), Labcorp
Classification: Uncertain significance. Last evaluated: 2020-10-25. Review status: criteria provided, single submitter. Criteria: Invitae Variant Classification Sherloc (09022015). Collection method: clinical testing. Allele origin: germline.
Comment: This sequence change replaces arginine with cysteine at codon 337 of the NEK2 protein (p.Arg337Cys). The arginine residue is highly conserved and there is a large physicochemical difference between arginine and cysteine. This variant is present in population databases (rs764512728, ExAC 0.02%). This variant has not been reported in the literature in individuals with NEK2-related conditions. Algorithms developed to predict the effect of missense changes on protein structure and function (SIFT, PolyPhen-2, Align-GVGD) all suggest that this variant is likely to be disruptive, but these predictions have not been confirmed by published functional studies and their clinical significance is uncertain. In summary, the available evidence is currently insufficient to determine the role of this variant in disease. Therefore, it has been classified as a Variant of Uncertain Significance.

NM_002497.4(NEK2):c.1009C>T (p.Arg337Cys)

Gene: NEK2 (NIMA related kinase 2; minus strand). Cytogenetic location: 1q32.3.
Variant type: single nucleotide variant.
Coding change: c.1009C>T on transcript NM_002497.4 (MANE Select); coding-DNA position 1009, C replaced by T.
Protein change: p.Arg337Cys; replaces arginine 337 with cysteine.
Molecular consequence: missense variant.
Genome position (GRCh38, 1-based): chr1:211,667,208, G>A on the plus strand (C>T on the coding strand, the complement: NEK2 is on the minus strand). VCF-style: chr1-211667208-G-A. GRCh37 (hg19) VCF-style: chr1-211840550-G-A.
Other names: c.1009C>T, p.Arg337Cys (NM_001204182.2, NM_001204183.2); short protein forms R337C.
Identifiers: ClinVar variation 1052377 (VCV001052377.10), dbSNP rs764512728, ClinGen allele CA1381527.